The following is an entry in ClinVar:

NM_174936.4(PCSK9):c.2028C>T (p.Ala676=)

Gene: PCSK9 (proprotein convertase subtilisin/kexin type 9; plus strand). Cytogenetic location: 1p32.3.
Variant type: single nucleotide variant.
Coding change: c.2028C>T on transcript NM_174936.4 (MANE Select); coding-DNA position 2028, C replaced by T.
Protein change: p.Ala676=; no amino-acid change (alanine 676 retained).
Molecular consequence: synonymous variant. On other transcripts: non-coding transcript variant (8).
Genome position (GRCh38, 1-based): chr1:55,063,533, C>T. VCF-style: chr1-55063533-C-T. GRCh37 (hg19) VCF-style: chr1-55529206-C-T.
Other names: c.2151C>T, p.Ala717= (NM_001407240.1); c.2070C>T, p.Ala690= (NM_001407241.1); c.2031C>T, p.Ala677= (NM_001407242.1); c.1971C>T, p.Ala657= (NM_001407243.1); c.1854C>T, p.Ala618= (NM_001407244.1); c.1836C>T, p.Ala612= (NM_001407245.1); c.1653C>T, p.Ala551= (NM_001407246.1); c.1527C>T, p.Ala509= (NM_001407247.1).
Identifiers: ClinVar variation 630174 (VCV000630174.18), dbSNP rs142524469, ClinGen allele CA040364.
Genomic context (GRCh38, chr1:55,063,533, plus strand): 5'-CAGGAGCCGGGACGTCAGCACTACAGGCAGCACCAGCGAAGGGGCCGTGACAGCCGTTGC[C>T]ATCTGCTGCCGGAGCCGGCACCTGGCGCAGGCCTCCCAGGAGCTCCAGTGACAGCCCCAT-3'
Protein context (NP_777596.2, residues 666-686): STSEGAVTAV[Ala676=]ICCRSRHLAQ

ClinVar aggregate classification (germline): Likely benign. Review status: criteria provided, multiple submitters, no conflicts (2 of 4 stars). 6 submissions from 6 submitters: Likely benign (5). 1 of the submissions does not count toward it. Last evaluated 2025-03-18.

Conditions:
Familial hypercholesterolemia. Also called: Familial hypercholesterolemias; Familial hypercholesterolaemia. Identifiers: MedGen C0020445, MONDO:0005439.
PCSK9-related disorder. Also called: PCSK9-related disorders; PCSK9-related condition.
Cardiovascular phenotype. Identifiers: MedGen CN230736.
Hypercholesterolemia, autosomal dominant, 3 (FHCL3). Also called: PCSK9-Related Familial Hypercholesterolemia, Autosomal Dominant; Familial Hypercholesterolemia, Autosomal Dominant, 3; Familial hypercholesterolemia 3. Identifiers: MedGen C1863551, MONDO:0011369, OMIM 603776.

Allele frequency attached by ClinVar (database versions not stated): gnomAD 0.00004; TOPMed 0.00004; gnomAD exomes 0.00007; ESP Exome Variant Server 0.00008; ExAC 0.00011.
gnomAD v4.1: 109 of 1,613,418 alleles (0.0068%); highest among the groups gnomAD compares: Non-Finnish European, 0.0086%; no homozygotes.

Submissions (6):

Labcorp Genetics (formerly Invitae), Labcorp
Classification: Likely benign for Hypercholesterolemia, autosomal dominant, 3. Last evaluated: 2025-03-18. Review status: criteria provided, single submitter. Criteria: Invitae Variant Classification Sherloc (09022015). Collection method: clinical testing. Allele origin: germline.

GENinCode PLC
Classification: Likely benign for Familial hypercholesterolemia. Last evaluated: 2024-09-30. Review status: criteria provided, single submitter. Criteria: ACMG Guidelines, 2015. Collection method: clinical testing. Allele origin: germline.
Comment: This is a synonymous (silent) variant that is not predicted by SpliceAI to impact splicing. In addition, it occurs at a nucleotide that is not conserved. Therefore this variant has been classified as Likely Benign (BP4, BP7).

All of Us Research Program, National Institutes of Health
Classification: Likely benign for Hypercholesterolemia, autosomal dominant, 3. Last evaluated: 2024-02-05. Review status: criteria provided, single submitter. Criteria: ACMG Guidelines, 2015. Collection method: clinical testing. Allele origin: germline. Inheritance: Autosomal dominant inheritance. Observed: 13 variant alleles, 13 heterozygotes.
Comment: This study involves interpretation of variants in research participants for the purpose of population health screening. Participant phenotype was not available at the time of variant classification. Additional details can be found in publication PMID: 35346344, PMCID: PMC8962531

Ambry Genetics
Classification: Likely benign for Cardiovascular phenotype. Last evaluated: 2022-09-08. Review status: criteria provided, single submitter. Criteria: Ambry Variant Classification Scheme 2023. Collection method: clinical testing. Allele origin: germline.

Color Diagnostics, LLC DBA Color Health
Classification: Likely benign for Familial hypercholesterolemias. Last evaluated: 2018-04-22. Review status: criteria provided, single submitter. Criteria: ACMG Guidelines, 2015. Collection method: clinical testing. Allele origin: germline.

PreventionGenetics, part of Exact Sciences
Classification: Likely benign for PCSK9-related condition. Last evaluated: 2019-06-11. Review status: no assertion criteria provided. Collection method: clinical testing. Allele origin: germline. Not counted in ClinVar's aggregate classification.
Comment: This variant is classified as likely benign based on ACMG/AMP sequence variant interpretation guidelines (Richards et al. 2015 PMID: 25741868, with internal and published modifications).